The following is an entry in ClinVar:

NM_024867.4(SPEF2):c.4246T>C (p.Tyr1416His)

Gene: SPEF2 (sperm flagellar and cilia associated 2; plus strand). Cytogenetic location: 5p13.2.
Variant type: single nucleotide variant.
Coding change: c.4246T>C on transcript NM_024867.4 (MANE Select); coding-DNA position 4246, T replaced by C.
Protein change: p.Tyr1416His; replaces tyrosine 1416 with histidine.
Molecular consequence: missense variant.
Genome position (GRCh38, 1-based): chr5:35,779,145, T>C. VCF-style: chr5-35779145-T-C. GRCh37 (hg19) VCF-style: chr5-35779247-T-C.
Other names: short protein forms Y1416H.
Identifiers: ClinVar variation 4977830 (VCV004977830.1).
Genomic context (GRCh38, chr5:35,779,145, plus strand): 5'-GGGGTTAACGCTATCCATTTTACCACTTTCAGTACAGAAAAATTAACTGACGTAGCTCGC[T>C]ATCACATTGAAACATCTACAAAAATTCAGAATGAACTTTATTTAAGCCAAGAAGACTTCT-3'
Protein context (NP_079143.3, residues 1406-1426): STEKLTDVAR[Tyr1416His]HIETSTKIQN

ClinVar aggregate classification (germline): Likely benign (1 of 4 stars; one submission).

Conditions:
SPEF2-related disorder. Also called: SPEF2-related condition.

gnomAD v4.1: 203 of 1,613,668 alleles (0.013%); highest among the groups gnomAD compares: African/African-American, 0.23%; no homozygotes.

Submission:

PreventionGenetics, part of Exact Sciences
Classification: Likely benign for SPEF2-related condition. Last evaluated: 2026-09-22. Review status: criteria provided, single submitter. Criteria: ACMG Guidelines, 2015. Collection method: clinical testing. Allele origin: germline.
Comment: This variant is classified as likely benign based on ACMG/AMP sequence variant interpretation guidelines (Richards et al. 2015 PMID: 25741868, with internal and published modifications).